The following is an entry in ClinVar:

ClinVar aggregate classification (germline): Uncertain significance (1 of 4 stars; one submission).

Conditions:
Hereditary cancer-predisposing syndrome. Also called: Neoplastic Syndromes, Hereditary; Tumor predisposition; Hereditary Cancer Syndrome; Hereditary neoplastic syndrome. Identifiers: Orphanet 140162, MedGen C0027672, MeSH D009386, MONDO:0015356.

Submission:

Ambry Genetics
Classification: Uncertain significance for Hereditary cancer-predisposing syndrome. Last evaluated: 2021-12-10. Review status: criteria provided, single submitter. Criteria: Ambry Variant Classification Scheme 2023. Collection method: clinical testing. Allele origin: germline.
Comment: The p.H63N variant (also known as c.187C>A), located in coding exon 3 of the MRE11A gene, results from a C to A substitution at nucleotide position 187. The histidine at codon 63 is replaced by asparagine, an amino acid with similar properties. This amino acid position is conserved. In addition, this alteration is predicted to be deleterious by in silico analysis. Since supporting evidence is limited at this time, the clinical significance of this alteration remains unclear.

NM_005591.4(MRE11):c.187C>A (p.His63Asn)

Gene: MRE11 (MRE11 double strand break repair nuclease; minus strand). Cytogenetic location: 11q21.
Variant type: single nucleotide variant.
Coding change: c.187C>A on transcript NM_005591.4 (MANE Select); coding-DNA position 187, C replaced by A.
Protein change: p.His63Asn; replaces histidine 63 with asparagine.
Molecular consequence: missense variant.
Genome position (GRCh38, 1-based): chr11:94,486,051, G>T on the plus strand (C>A on the coding strand, the complement: MRE11 is on the minus strand). VCF-style: chr11-94486051-G-T. GRCh37 (hg19) VCF-style: chr11-94219217-G-T.
Other names: c.187C>A, p.His63Asn (NM_001330347.2, NM_005590.4); short protein forms H63N.
Identifiers: ClinVar variation 1799764 (VCV001799764.2), dbSNP rs2135122992, ClinGen allele CA382379821.